The following is an entry in ClinVar:

ClinVar aggregate classification (germline): Uncertain significance. Review status: criteria provided, multiple submitters, no conflicts (2 of 4 stars). 5 submissions from 5 submitters: Uncertain significance (4). 1 of the submissions does not count toward it. Last evaluated 2024-09-13.

Conditions:
Alport syndrome. Also called: Hemorrhagic hereditary nephritis; Congenital hereditary hematuria; Hemorrhagic familial nephritis. Identifiers: Orphanet 63, MedGen C1567741, MONDO:0018965.
Inborn genetic diseases. Identifiers: MedGen C0950123, MeSH D030342.

Allele frequency attached by ClinVar (database versions not stated): gnomAD 0.00001; TOPMed 0.00001; gnomAD exomes 0.00001; ExAC 0.00001.
gnomAD v4.1: 1 of 1,612,738 alleles (0.000062%); highest among the groups gnomAD compares: East Asian, 0.0022%; no homozygotes.

Submissions (5):

GeneDx
Classification: Uncertain significance. Last evaluated: 2024-09-13. Review status: criteria provided, single submitter. Criteria: GeneDx Variant Classification Process June 2021. Collection method: clinical testing. Allele origin: germline. Affected: yes.
Comment: In silico analysis indicates that this missense variant does not alter protein structure/function; Occurs in the triple helical domain at the Y position in the canonical Gly-X-Y repeat; although this variant may have an effect on normal protein folding and function, missense substitution at the Y position is not a common mechanism of disease; Has not been previously published as pathogenic or benign to our knowledge

Ambry Genetics
Classification: Uncertain significance for Inborn genetic diseases. Last evaluated: 2024-06-03. Review status: criteria provided, single submitter. Criteria: Ambry Variant Classification Scheme 2023. Collection method: clinical testing. Allele origin: germline.

Women's Health and Genetics/Laboratory Corporation of America, LabCorp
Classification: Uncertain significance. Last evaluated: 2023-02-15. Review status: criteria provided, single submitter. Criteria: LabCorp Variant Classification Summary - May 2015. Collection method: clinical testing. Allele origin: germline.
Comment: Variant summary: COL4A3 c.527C>G (p.Pro176Arg) results in a non-conservative amino acid change in the encoded protein sequence. Five of five in-silico tools predict a damaging effect of the variant on protein function. The variant allele was found at a frequency of 8e-06 in 249304 control chromosomes (gnomAD). The available data on variant occurrences in the general population are insufficient to allow any conclusion about variant significance. To our knowledge, no occurrence of c.527C>G in individuals affected with Alport Syndrome, Autosomal Recessive and no experimental evidence demonstrating its impact on protein function have been reported. Two clinical diagnostic laboratories have submitted clinical-significance assessments for this variant to ClinVar after 2014 without evidence for independent evaluation and classified this variant as uncertain significance. Based on the evidence outlined above, the variant was classified as uncertain significance.

Labcorp Genetics (formerly Invitae), Labcorp
Classification: Uncertain significance. Last evaluated: 2021-08-26. Review status: criteria provided, single submitter. Criteria: Invitae Variant Classification Sherloc (09022015). Collection method: clinical testing. Allele origin: germline.
Comment: This sequence change replaces proline with arginine at codon 176 of the COL4A3 protein (p.Pro176Arg). The proline residue is moderately conserved and there is a moderate physicochemical difference between proline and arginine. This variant is present in population databases (rs759869958, ExAC 0.01%). This variant has not been reported in the literature in individuals affected with COL4A3-related conditions. Algorithms developed to predict the effect of missense changes on protein structure and function are either unavailable or do not agree on the potential impact of this missense change (SIFT: "Tolerated"; PolyPhen-2: "Probably Damaging"; Align-GVGD: "Class C0"). In summary, the available evidence is currently insufficient to determine the role of this variant in disease. Therefore, it has been classified as a Variant of Uncertain Significance.

Natera, Inc.
Classification: Uncertain significance for Alport syndrome. Last evaluated: 2020-12-29. Review status: no assertion criteria provided. Collection method: clinical testing. Allele origin: germline. Not counted in ClinVar's aggregate classification.

NM_000091.5(COL4A3):c.527C>G (p.Pro176Arg)

Genes: COL4A3 (collagen type IV alpha 3 chain; plus strand), MFF-DT (MFF divergent transcript; minus strand). Cytogenetic location: 2q36.3.
Variant type: single nucleotide variant.
Coding change: c.527C>G on transcript NM_000091.5 (MANE Select); coding-DNA position 527, C replaced by G.
Protein change: p.Pro176Arg; replaces proline 176 with arginine.
Molecular consequence: missense variant.
Genome position (GRCh38, 1-based): chr2:227,248,501, C>G. VCF-style: chr2-227248501-C-G. GRCh37 (hg19) VCF-style: chr2-228113217-C-G.
Other names: c.527C>G (NM_000091.4); short protein forms P176R.
Identifiers: ClinVar variation 1010699 (VCV001010699.5), dbSNP rs759869958, ClinGen allele CA2146184.